The following is an entry in ClinVar:

ClinVar aggregate classification (germline): Uncertain significance. Review status: criteria provided, multiple submitters, no conflicts (2 of 4 stars). 2 submissions from 2 submitters: Uncertain significance (2). Last evaluated 2024-02-01.

Conditions:
Charcot-Marie-Tooth disease type 2. Also called: Charcot-Marie-Tooth type 2. Identifiers: Orphanet 64746, MedGen C0270914, MONDO:0018993.

Submissions (2):

CeGaT Center for Human Genetics Tuebingen
Classification: Uncertain significance. Last evaluated: 2024-02-01. Review status: criteria provided, single submitter. Criteria: CeGaT Center For Human Genetics Tuebingen Variant Classification Criteria Version 2. Collection method: clinical testing. Allele origin: germline. Affected: yes. Observed: 1 variant allele.
Comment: MFN2: PM2

Labcorp Genetics (formerly Invitae), Labcorp
Classification: Uncertain significance for Charcot-Marie-Tooth disease type 2. Last evaluated: 2022-08-16. Review status: criteria provided, single submitter. Criteria: Invitae Variant Classification Sherloc (09022015). Collection method: clinical testing. Allele origin: germline.
Comment: This sequence change replaces alanine, which is neutral and non-polar, with serine, which is neutral and polar, at codon 317 of the MFN2 protein (p.Ala317Ser). This variant is not present in population databases (gnomAD no frequency). This variant has not been reported in the literature in individuals affected with MFN2-related conditions. ClinVar contains an entry for this variant (Variation ID: 1446686). Algorithms developed to predict the effect of missense changes on protein structure and function are either unavailable or do not agree on the potential impact of this missense change (SIFT: "Tolerated"; PolyPhen-2: "Benign"; Align-GVGD: "Class C25"). In summary, the available evidence is currently insufficient to determine the role of this variant in disease. Therefore, it has been classified as a Variant of Uncertain Significance.

NM_014874.4(MFN2):c.949G>T (p.Ala317Ser)

Gene: MFN2 (mitofusin 2; plus strand). Cytogenetic location: 1p36.22.
Variant type: single nucleotide variant.
Coding change: c.949G>T on transcript NM_014874.4 (MANE Select); coding-DNA position 949, G replaced by T.
Protein change: p.Ala317Ser; replaces alanine 317 with serine.
Molecular consequence: missense variant.
Genome position (GRCh38, 1-based): chr1:12,001,533, G>T. VCF-style: chr1-12001533-G-T. GRCh37 (hg19) VCF-style: chr1-12061590-G-T.
Other names: c.949G>T, p.Ala317Ser (NM_001127660.2); short protein forms A317S.
Identifiers: ClinVar variation 1446686 (VCV001446686.28), dbSNP rs2100839494, ClinGen allele CA338441982.